The following is an entry in ClinVar:

NM_007175.8(ERLIN2):c.550G>A (p.Glu184Lys)

Gene: ERLIN2 (ER lipid raft associated 2; plus strand). Cytogenetic location: 8p11.23.
Variant type: single nucleotide variant.
Coding change: c.550G>A on transcript NM_007175.8 (MANE Select); coding-DNA position 550, G replaced by A.
Protein change: p.Glu184Lys; replaces glutamic acid 184 with lysine.
Molecular consequence: missense variant.
Genome position (GRCh38, 1-based): chr8:37,749,845, G>A. VCF-style: chr8-37749845-G-A. GRCh37 (hg19) VCF-style: chr8-37607363-G-A.
Other names: c.550G>A, p.Glu184Lys (NM_001362878.2); short protein forms E184K.
Identifiers: ClinVar variation 4857178 (VCV004857178.1).

ClinVar aggregate classification (germline): Likely pathogenic (1 of 4 stars; one submission).

Conditions:
Spastic paraplegia 18b, autosomal recessive (SPG18B). Also called: INTELLECTUAL DISABILITY, MOTOR DYSFUNCTION, AND JOINT CONTRACTURES. Identifiers: MedGen CN380649, MONDO:0700309, OMIM 611225.

gnomAD v4.1: 3 of 1,613,958 alleles (0.00019%); highest among the groups gnomAD compares: South Asian, 0.0011%; no homozygotes.

Submission:

Genetics Research Center, University of Social Welfare and Rehabilitation Sciences
Classification: Likely pathogenic for Spastic paraplegia 18b, autosomal recessive. Review status: criteria provided, single submitter. Criteria: ACMG Guidelines, 2015. Collection method: clinical testing. Allele origin: germline. Inheritance: Autosomal recessive inheritance. Affected: yes. Observed: 1 variant allele, 1 homozygote.
Comment: The c.550G>A​(p.Glu184Lys) variant causes a missense change involving the alteration of a highly conserved nucleotide (Phylop100 = 9.9). The variant allele was found at a frequency of 0.00000205 in 1,461,702 control chromosomes in the GnomAD database, with no homozygous occurrence. In-silico tool predicts a pathogenic outcome for this variant (REVEL = 0.9). Variant co-segregated with disease within the family Overall, the variant meets PM2, PP1, PP2, and PP3 ACMG criteria.

Literature cited by the submitters: PubMed 42120987.